The following is an entry in ClinVar:

NM_000138.5(FBN1):c.6383T>C (p.Met2128Thr)

Gene: FBN1 (fibrillin 1; minus strand). Cytogenetic location: 15q21.1.
Variant type: single nucleotide variant.
Coding change: c.6383T>C on transcript NM_000138.5 (MANE Select); coding-DNA position 6383, T replaced by C.
Protein change: p.Met2128Thr; replaces methionine 2128 with threonine.
Molecular consequence: missense variant.
Genome position (GRCh38, 1-based): chr15:48,437,074, A>G on the plus strand (T>C on the coding strand, the complement: FBN1 is on the minus strand). VCF-style: chr15-48437074-A-G. GRCh37 (hg19) VCF-style: chr15-48729271-A-G.
Other names: c.6383T>C (NM_000138.4); short protein forms M2128T.
Identifiers: ClinVar variation 1376081 (VCV001376081.7), dbSNP rs2141240519, ClinGen allele CA392336713.

ClinVar aggregate classification (germline): Uncertain significance. Review status: criteria provided, multiple submitters, no conflicts (2 of 4 stars). 2 submissions from 2 submitters: Uncertain significance (2). Last evaluated 2025-05-09.

Conditions:
Marfan syndrome (MFS). Also called: Marfan syndrome type 1; Marfan's syndrome; FBN1-Related Marfan Syndrome; MARFAN SYNDROME, TYPE I; Marfan syndrome, classic. Identifiers: Orphanet 284963, Orphanet 558, MedGen C0024796, MONDO:0007947, OMIM 154700.
Familial thoracic aortic aneurysm and aortic dissection (TAAD). Also called: Thoracic aortic aneurysms and dissections. Identifiers: Orphanet 91387, MedGen C4707243, MONDO:0019625.

Submissions (2):

GeneDx
Classification: Uncertain significance. Last evaluated: 2025-05-09. Review status: criteria provided, single submitter. Criteria: GeneDx Variant Classification Process June 2021. Collection method: clinical testing. Allele origin: germline. Affected: yes.
Comment: Not observed at significant frequency in large population cohorts (gnomAD); In silico analysis suggests that this missense variant does not alter protein structure/function; Has not been previously published as pathogenic or benign to our knowledge; This variant is associated with the following publications: (PMID: 12938084)

Labcorp Genetics (formerly Invitae), Labcorp
Classification: Uncertain significance for Marfan syndrome; Familial thoracic aortic aneurysm and aortic dissection. Last evaluated: 2024-12-15. Review status: criteria provided, single submitter. Criteria: Invitae Variant Classification Sherloc (09022015). Collection method: clinical testing. Allele origin: germline.
Comment: This sequence change replaces methionine, which is neutral and non-polar, with threonine, which is neutral and polar, at codon 2128 of the FBN1 protein (p.Met2128Thr). This variant is not present in population databases (gnomAD no frequency). This variant has not been reported in the literature in individuals affected with FBN1-related conditions. ClinVar contains an entry for this variant (Variation ID: 1376081). Invitae Evidence Modeling of protein sequence and biophysical properties (such as structural, functional, and spatial information, amino acid conservation, physicochemical variation, residue mobility, and thermodynamic stability) indicates that this missense variant is not expected to disrupt FBN1 protein function with a negative predictive value of 95%. In summary, the available evidence is currently insufficient to determine the role of this variant in disease. Therefore, it has been classified as a Variant of Uncertain Significance.